The following is an entry in ClinVar:

ClinVar aggregate classification (germline): Conflicting classifications of pathogenicity. Review status: criteria provided, conflicting classifications (1 of 4 stars). 6 submissions from 6 submitters: Uncertain significance (1); Benign (1); Likely benign (3). 1 of the submissions does not count toward it. Last evaluated 2026-01-26.

Conditions:
Autosomal recessive polycystic kidney disease (ARPKD). Also called: AR polycystic kidney disease. Identifiers: Orphanet 731, Orphanet 8378, MedGen C0085548, MeSH D017044, MONDO:0009889.

Allele frequency attached by ClinVar (database versions not stated): ExAC 0.00034; 1000 Genomes Project 30x 0.00078; 1000 Genomes Project 0.00080; gnomAD 0.00107 and 0.00115; TOPMed 0.00114; ESP Exome Variant Server 0.00115.
gnomAD v4.1: 410 of 1,612,808 alleles (0.025%); highest among the groups gnomAD compares: African/African-American, 0.33%; no homozygotes.

Submissions (6):

Labcorp Genetics (formerly Invitae), Labcorp
Classification: Benign for Autosomal recessive polycystic kidney disease. Last evaluated: 2026-01-26. Review status: criteria provided, single submitter. Criteria: Invitae Variant Classification Sherloc (09022015). Collection method: clinical testing. Allele origin: germline.

Mayo Clinic Laboratories, Mayo Clinic
Classification: Likely benign. Last evaluated: 2025-11-27. Review status: criteria provided, single submitter. Criteria: ACMG Guidelines, 2015. Collection method: clinical testing. Allele origin: germline. Observed: 2 variant alleles.
Comment: BS1, BP4, BP7

Blueprint Genetics
Classification: Likely benign. Last evaluated: 2024-09-13. Review status: criteria provided, single submitter. Criteria: ACMG Guidelines, 2015. Collection method: clinical testing. Allele origin: germline.

GeneDx
Classification: Likely benign. Last evaluated: 2019-12-11. Review status: criteria provided, single submitter. Criteria: GeneDx Variant Classification Process June 2021. Collection method: clinical testing. Allele origin: germline. Affected: yes.

Eurofins Ntd Llc (ga)
Classification: Uncertain significance. Last evaluated: 2017-11-20. Review status: criteria provided, single submitter. Criteria: EGL Classification Definitions 2015. Collection method: clinical testing. Allele origin: germline. Observed: 11 variant alleles, 11 heterozygotes.

Natera, Inc.
Classification: Likely benign for Autosomal recessive polycystic kidney disease. Last evaluated: 2020-05-01. Review status: no assertion criteria provided. Collection method: clinical testing. Allele origin: germline. Not counted in ClinVar's aggregate classification.

NM_138694.4(PKHD1):c.11130C>T (p.Ile3710=)

Gene: PKHD1 (PKHD1 ciliary IPT domain containing fibrocystin/polyductin; minus strand). Cytogenetic location: 6p12.3.
Variant type: single nucleotide variant.
Coding change: c.11130C>T on transcript NM_138694.4 (MANE Select); coding-DNA position 11130, C replaced by T.
Protein change: p.Ile3710=; no amino-acid change (isoleucine 3710 retained).
Molecular consequence: synonymous variant.
Genome position (GRCh38, 1-based): chr6:51,658,996, G>A on the plus strand (C>T on the coding strand, the complement: PKHD1 is on the minus strand). VCF-style: chr6-51658996-G-A. GRCh37 (hg19) VCF-style: chr6-51523794-G-A.
Other names: p.Ile3710=.
Identifiers: ClinVar variation 198316 (VCV000198316.21), dbSNP rs146224907, ClinGen allele CA246899.